The following is an entry in ClinVar:

ClinVar aggregate classification (germline): Uncertain significance. Review status: criteria provided, multiple submitters, no conflicts (2 of 4 stars). 2 submissions from 2 submitters: Uncertain significance (2). Last evaluated 2024-12-20.

Conditions:
Familial thoracic aortic aneurysm and aortic dissection (TAAD). Also called: Thoracic aortic aneurysms and dissections. Identifiers: Orphanet 91387, MedGen C4707243, MONDO:0019625.
Ehlers-Danlos syndrome, kyphoscoliotic type 1 (EDSKSCL1). Also called: EHLERS-DANLOS SYNDROME, OCULAR-SCOLIOTIC TYPE; Ehlers-Danlos syndrome, hydroxylysine-deficient; EHLERS-DANLOS SYNDROME, TYPE VIA; PLOD1-Related Kyphoscoliotic Ehlers-Danlos Syndrome. Identifiers: Orphanet 1900, MedGen C0268342, MONDO:0016002, OMIM 225400. Disease mechanism: loss of function.

Allele frequency attached by ClinVar (database versions not stated): gnomAD exomes below 0.00001; TOPMed 0.00001.
gnomAD v4.1: 4 of 1,599,858 alleles (0.00025%); highest among the groups gnomAD compares: Non-Finnish European, 0.00034%; no homozygotes.

Submissions (2):

Ambry Genetics
Classification: Uncertain significance for Familial thoracic aortic aneurysm and aortic dissection. Last evaluated: 2024-12-20. Review status: criteria provided, single submitter. Criteria: Ambry Variant Classification Scheme 2023. Collection method: clinical testing. Allele origin: germline.
Comment: The p.D491N variant (also known as c.1471G>A) is located in coding exon 14 of the PLOD1 gene. The aspartic acid at codon 491 is replaced by asparagine, an amino acid with highly similar properties. This change occurs in the first base pair of coding exon 14. This amino acid position is conserved. In addition, this alteration is predicted to be tolerated by in silico analysis. Based on the available evidence, the clinical significance of this variant remains unclear.

Labcorp Genetics (formerly Invitae), Labcorp
Classification: Uncertain significance for Ehlers-Danlos syndrome, kyphoscoliotic type 1. Last evaluated: 2021-02-07. Review status: criteria provided, single submitter. Criteria: Invitae Variant Classification Sherloc (09022015). Collection method: clinical testing. Allele origin: germline.
Comment: In summary, the available evidence is currently insufficient to determine the role of this variant in disease. Therefore, it has been classified as a Variant of Uncertain Significance. Algorithms developed to predict the effect of missense changes on protein structure and function (SIFT, PolyPhen-2, Align-GVGD) all suggest that this variant is likely to be tolerated, but these predictions have not been confirmed by published functional studies and their clinical significance is uncertain. This variant has not been reported in the literature in individuals with PLOD1-related conditions. This variant is not present in population databases (ExAC no frequency). This sequence change replaces aspartic acid with asparagine at codon 491 of the PLOD1 protein (p.Asp491Asn). The aspartic acid residue is weakly conserved and there is a small physicochemical difference between aspartic acid and asparagine.

NM_000302.4(PLOD1):c.1471G>A (p.Asp491Asn)

Gene: PLOD1 (procollagen-lysine,2-oxoglutarate 5-dioxygenase 1; plus strand). Cytogenetic location: 1p36.22.
Variant type: single nucleotide variant.
Coding change: c.1471G>A on transcript NM_000302.4 (MANE Select); coding-DNA position 1471, G replaced by A.
Protein change: p.Asp491Asn; replaces aspartic acid 491 with asparagine.
Molecular consequence: missense variant.
Genome position (GRCh38, 1-based): chr1:11,965,480, G>A. VCF-style: chr1-11965480-G-A. GRCh37 (hg19) VCF-style: chr1-12025537-G-A.
Other names: c.1612G>A, p.Asp538Asn (NM_001316320.2); c.1471G>A (NM_000302.3); short protein forms D538N, D491N.
Identifiers: ClinVar variation 1409166 (VCV001409166.9), dbSNP rs1283020139, ClinGen allele CA338444322.